The following is an entry in ClinVar:

ClinVar aggregate classification (germline): Benign. Review status: criteria provided, multiple submitters, no conflicts (2 of 4 stars). 9 submissions from 9 submitters: Benign (7). 2 of the submissions do not count toward it. Last evaluated 2026-02-04.

Conditions:
Cerebroretinal microangiopathy with calcifications and cysts 1 (CRMCC1). Identifiers: Orphanet 313838, MedGen C4552029, MONDO:0024564, OMIM 612199.
Dyskeratosis congenita. Identifiers: Orphanet 1775, MedGen C0265965, MONDO:0015780.

Allele frequency attached by ClinVar (database versions not stated): TOPMed 0.99998; gnomAD 0.99999.

Submissions (9):

Labcorp Genetics (formerly Invitae), Labcorp
Classification: Benign for Dyskeratosis congenita. Last evaluated: 2026-02-04. Review status: criteria provided, single submitter. Criteria: Invitae Variant Classification Sherloc (09022015). Collection method: clinical testing. Allele origin: germline.

ARUP Laboratories, Molecular Genetics and Genomics, ARUP Laboratories
Classification: Benign for Cerebroretinal microangiopathy with calcifications and cysts 1. Last evaluated: 2025-07-28. Review status: criteria provided, single submitter. Criteria: ARUP Molecular Germline Variant Investigation Process 2024. Collection method: clinical testing. Allele origin: germline.

Blueprint Genetics
Classification: Benign. Last evaluated: 2024-11-28. Review status: criteria provided, single submitter. Criteria: ACMG Guidelines, 2015. Collection method: clinical testing. Allele origin: germline.

GeneDx
Classification: Benign. Last evaluated: 2018-11-28. Review status: criteria provided, single submitter. Criteria: GeneDx Variant Classification Process June 2021. Collection method: clinical testing. Allele origin: germline. Affected: yes.

Illumina Laboratory Services, Illumina
Classification: Benign for Dyskeratosis congenita. Last evaluated: 2018-01-13. Review status: criteria provided, single submitter. Criteria: ICSL Variant Classification Criteria 13 December 2019. Collection method: clinical testing. Allele origin: germline.
Comment: This variant was observed in the ICSL laboratory as part of a predisposition screen in an ostensibly healthy population. It had not been previously curated by ICSL or reported in the Human Gene Mutation Database (HGMD: prior to June 1st, 2018), and was therefore a candidate for classification through an automated scoring system. Utilizing variant allele frequency, disease prevalence and penetrance estimates, and inheritance mode, an automated score was calculated to assess if this variant is too frequent to cause the disease. Based on the score and internal cut-off values, a variant classified as benign is not then subjected to further curation. The score for this variant resulted in a classification of benign for this disease.

Breakthrough Genomics
Classification: Benign. Review status: criteria provided, single submitter. Criteria: ACMG Guidelines, 2015. Collection method: not provided. Allele origin: germline. Inheritance: Autosomal recessive inheritance. Affected: yes.

PreventionGenetics, part of Exact Sciences
Classification: Benign. Review status: criteria provided, single submitter. Criteria: ACMG Guidelines, 2015. Collection method: clinical testing. Allele origin: germline.

Diagnostic Laboratory, Department of Genetics, University Medical Center Groningen
Classification: Benign. Review status: no assertion criteria provided. Collection method: clinical testing. Allele origin: germline. Affected: yes. Study: VKGL Data-share Consensus. Not counted in ClinVar's aggregate classification.

Joint Genome Diagnostic Labs from Nijmegen and Maastricht, Radboudumc and MUMC+
Classification: Benign. Review status: no assertion criteria provided. Collection method: clinical testing. Allele origin: germline. Affected: yes. Study: VKGL Data-share Consensus. Not counted in ClinVar's aggregate classification.

NM_025099.6(CTC1):c.435+3=

Gene: CTC1 (CST telomere replication complex component 1; minus strand). Cytogenetic location: 17p13.1.
Variant type: single nucleotide variant.
Coding change: c.435+3= on transcript NM_025099.6 (MANE Select); 3 bases into the intron after coding-DNA position 435, no change from the reference sequence.
Molecular consequence: intron variant.
Genome position: GRCh38 VCF-style: chr17-8238389-C-C. GRCh37 (hg19) VCF-style: chr17-8141707-T-C.
Identifiers: ClinVar variation 261822 (VCV000261822.32), dbSNP rs6503093.